The following is an entry in ClinVar:

ClinVar aggregate classification (germline): Uncertain significance. Review status: criteria provided, multiple submitters, no conflicts (2 of 4 stars). 2 submissions from 2 submitters: Uncertain significance (2). Last evaluated 2026-07-07.

Conditions:
Gorlin syndrome. Also called: Nevoid Basal Cell Carcinoma Syndrome; Basal cell nevus syndrome. Identifiers: Orphanet 377, MedGen C0004779, MONDO:0007187.
Hereditary cancer-predisposing syndrome. Also called: Hereditary neoplastic syndrome; Neoplastic Syndromes, Hereditary; Tumor predisposition; Hereditary Cancer Syndrome. Identifiers: Orphanet 140162, MedGen C0027672, MeSH D009386, MONDO:0015356.

gnomAD v4.1: 1 of 1,614,168 alleles (0.000062%); highest among the groups gnomAD compares: Non-Finnish European, 0.000085%; no homozygotes.

Submissions (2):

Ambry Genetics
Classification: Uncertain significance for Hereditary cancer-predisposing syndrome. Last evaluated: 2026-07-07. Review status: criteria provided, single submitter. Criteria: Ambry Variant Classification Scheme 2023. Collection method: clinical testing. Allele origin: germline.
Comment: The p.G100D variant (also known as c.299G>A), located in coding exon 3 of the PTCH1 gene, results from a G to A substitution at nucleotide position 299. The glycine at codon 100 is replaced by aspartic acid, an amino acid with similar properties. This amino acid position is conserved. In addition, the in silico prediction for this alteration is inconclusive. Based on the available evidence, the clinical significance of this variant remains unclear.

Labcorp Genetics (formerly Invitae), Labcorp
Classification: Uncertain significance for Gorlin syndrome. Last evaluated: 2024-08-27. Review status: criteria provided, single submitter. Criteria: Invitae Variant Classification Sherloc (09022015). Collection method: clinical testing. Allele origin: germline.
Comment: This sequence change replaces glycine, which is neutral and non-polar, with aspartic acid, which is acidic and polar, at codon 166 of the PTCH1 protein (p.Gly166Asp). This variant is not present in population databases (gnomAD no frequency). This variant has not been reported in the literature in individuals affected with PTCH1-related conditions. Invitae Evidence Modeling of protein sequence and biophysical properties (such as structural, functional, and spatial information, amino acid conservation, physicochemical variation, residue mobility, and thermodynamic stability) indicates that this missense variant is not expected to disrupt PTCH1 protein function with a negative predictive value of 95%. In summary, the available evidence is currently insufficient to determine the role of this variant in disease. Therefore, it has been classified as a Variant of Uncertain Significance.

NM_000264.5(PTCH1):c.497G>A (p.Gly166Asp)

Gene: PTCH1 (patched 1; minus strand). Cytogenetic location: 9q22.32.
Variant type: single nucleotide variant.
Coding change: c.497G>A on transcript NM_000264.5 (MANE Select); coding-DNA position 497, G replaced by A.
Protein change: p.Gly166Asp; replaces glycine 166 with aspartic acid.
Molecular consequence: missense variant. On other transcripts: non-coding transcript variant (1).
Genome position (GRCh38, 1-based): chr9:95,485,772, C>T on the plus strand (G>A on the coding strand, the complement: PTCH1 is on the minus strand). VCF-style: chr9-95485772-C-T. GRCh37 (hg19) VCF-style: chr9-98248054-C-T.
Other names: c.44G>A, p.Gly15Asp (NM_001083607.3, NM_001083604.3, NM_001083605.3 and 1 more transcripts); c.497G>A, p.Gly166Asp (NM_001354918.2); c.299G>A, p.Gly100Asp (NM_001354919.2, NM_001083602.3); c.494G>A, p.Gly165Asp (NM_001083603.3); short protein forms G15D, G165D, G166D, G100D.
Identifiers: ClinVar variation 3635864 (VCV003635864.3).
Genomic context (GRCh38, chr9:95,485,772, plus strand): 5'-CTGGCCTGGAGTGCCGAGTCCAGGTGTTGTAGGAGCGCTTCTGTGGTCAGGACATTAGCA[C>T]CTTCTTCTTTAGGGGTCTGTATCATGAGTTGAGGATTAAACATAGCCTCTTCTCCAATCT-3'
Protein context (NP_000255.2, residues 156-176): QLMIQTPKEE[Gly166Asp]ANVLTTEALL